The following is an entry in ClinVar:

ClinVar aggregate classification (germline): Uncertain significance (1 of 4 stars; one submission).

Conditions:
Charcot-Marie-Tooth disease axonal type 2CC. Also called: CHARCOT-MARIE-TOOTH NEUROPATHY, TYPE 2CC. Identifiers: MedGen C4310790, MONDO:0014836, OMIM 616924.

Submission:

OLLIN Analises Genomicas, OLLIN
Classification: Uncertain significance for Charcot-Marie-Tooth disease axonal type 2CC. Last evaluated: 2026-08-06. Review status: criteria provided, single submitter. Criteria: ACMG Guidelines 2015 PMID 25741868. Collection method: clinical testing. Allele origin: germline.
Comment: This nonsense variant, located in exon 1 (of 4), is absent from gnomAD and ClinVar and has not been identified in the literature. This variant introduces a premature stop codon, which is predicted to result in either a truncated protein or degradation of the mRNA via nonsense-mediated decay (NMD). According to the currently available evidence, this variant has been classified as uncertain significance (PVS1).

NM_021076.4(NEFH):c.670C>T (p.Gln224Ter)

Gene: NEFH (neurofilament heavy chain; plus strand). Cytogenetic location: 22q12.2.
Variant type: single nucleotide variant.
Coding change: c.670C>T on transcript NM_021076.4 (MANE Select); coding-DNA position 670, C replaced by T.
Protein change: p.Gln224Ter; replaces glutamine 224 with a stop codon.
Molecular consequence: nonsense.
Genome position (GRCh38, 1-based): chr22:29,480,932, C>T. VCF-style: chr22-29480932-C-T. GRCh37 (hg19) VCF-style: chr22-29876921-C-T.
Other names: short protein forms Q224*.
Identifiers: ClinVar variation 5003146 (VCV005003146.1).